The following is an entry in ClinVar:

NM_001134407.3(GRIN2A):c.883G>A (p.Gly295Ser)

Gene: GRIN2A (glutamate ionotropic receptor NMDA type subunit 2A; minus strand). Cytogenetic location: 16p13.2.
Variant type: single nucleotide variant.
Coding change: c.883G>A on transcript NM_001134407.3 (MANE Select); coding-DNA position 883, G replaced by A.
Protein change: p.Gly295Ser; replaces glycine 295 with serine.
Molecular consequence: missense variant.
Genome position (GRCh38, 1-based): chr16:9,938,083, C>T on the plus strand (G>A on the coding strand, the complement: GRIN2A is on the minus strand). VCF-style: chr16-9938083-C-T. GRCh37 (hg19) VCF-style: chr16-10031940-C-T.
Other names: c.883G>A, p.Gly295Ser (NM_000833.5, NM_001134408.2); short protein forms G295S.
Identifiers: ClinVar variation 532713 (VCV000532713.20), dbSNP rs568484876, ClinGen allele CA7896884.

ClinVar aggregate classification (germline): Conflicting classifications of pathogenicity. Review status: criteria provided, conflicting classifications (1 of 4 stars). 5 submissions from 5 submitters: Uncertain significance (3); Likely benign (2). Last evaluated 2025-10-01.

Conditions:
Landau-Kleffner syndrome (FESD). Also called: EPILEPSY, FOCAL, WITH SPEECH DISORDER AND WITH OR WITHOUT MENTAL RETARDATION; APHASIA, ACQUIRED, WITH EPILEPSY. Identifiers: Orphanet 1945, Orphanet 725, Orphanet 98818, MedGen C0282512, MONDO:0009509, OMIM 245570.
Inborn genetic diseases. Identifiers: MedGen C0950123, MeSH D030342.

Allele frequency attached by ClinVar (database versions not stated): TOPMed 0.00005; gnomAD exomes 0.00003 and 0.00005; gnomAD 0.00004 and 0.00007; 1000 Genomes Project 0.00020; ExAC 0.00006; 1000 Genomes Project 30x 0.00016.

Submissions (5):

Athena Diagnostics
Classification: Likely benign. Last evaluated: 2025-10-01. Review status: criteria provided, single submitter. Criteria: Athena Diagnostics Criteria. Collection method: clinical testing. Allele origin: unknown.
Comment: The frequency of this variant in the general population is higher than would generally be expected for pathogenic variants in this gene.

Labcorp Genetics (formerly Invitae), Labcorp
Classification: Likely benign for Landau-Kleffner syndrome. Last evaluated: 2025-09-02. Review status: criteria provided, single submitter. Criteria: Invitae Variant Classification Sherloc (09022015). Collection method: clinical testing. Allele origin: germline.

Blueprint Genetics
Classification: Uncertain significance. Last evaluated: 2023-10-06. Review status: criteria provided, single submitter. Criteria: ACMG Guidelines, 2015. Collection method: clinical testing. Allele origin: germline.

Genetic Services Laboratory, University of Chicago
Classification: Uncertain significance. Last evaluated: 2018-10-31. Review status: criteria provided, single submitter. Criteria: ACMG Guidelines, 2015. Collection method: clinical testing. Allele origin: germline. Affected: no.

Ambry Genetics
Classification: Uncertain significance for Inborn genetic diseases. Last evaluated: 2017-06-29. Review status: criteria provided, single submitter. Criteria: Ambry Variant Classification Scheme 2023. Collection method: clinical testing. Allele origin: germline.
Comment: The p.G295S variant (also known as c.883G>A), located in coding exon 2 of the GRIN2A gene, results from a G to A substitution at nucleotide position 883. The glycine at codon 295 is replaced by serine, an amino acid with similar properties. This alteration has been reported in an individual with Rolandric epilepsy, however the inheritance of the alteration could not be determined (Lesca G et al. Nat. Genet., 2013 Sep;45:1061-6; Burnashev N et al. Curr. Opin. Pharmacol., 2015 Feb;20:73-82). In addition, functional studies performed to determine the impact of the alteration on the receptor expression and activation showed no significant difference from the wild-type (Serraz B et al. Neuropharmacol., 2016 Oct;109:196-204). This amino acid position is well conserved in available vertebrate species. In addition, the in silico prediction for this alteration is inconclusive. Since supporting evidence is limited at this time, the clinical significance of this alteration remains unclear. .

Literature cited by the submitters: PubMed 28864458 (cited by Athena Diagnostics); PubMed 39363051 (cited by Athena Diagnostics); PubMed 39474911 (cited by Athena Diagnostics); PubMed 32877683 (cited by Athena Diagnostics); PubMed 27288002 (cited by Athena Diagnostics and Ambry Genetics); PubMed 23933820 (cited by Athena Diagnostics and Ambry Genetics); PubMed 25498981 (cited by Ambry Genetics).